The following is an entry in ClinVar:

ClinVar aggregate classification (germline): Uncertain significance. Review status: criteria provided, multiple submitters, no conflicts (2 of 4 stars). 2 submissions from 2 submitters: Uncertain significance (2). Last evaluated 2026-01-09.

Allele frequency attached by ClinVar (database versions not stated): gnomAD 0.00004; gnomAD exomes 0.00004; TOPMed 0.00004; ExAC 0.00005; ESP Exome Variant Server 0.00032.
gnomAD v4.1: 65 of 1,614,050 alleles (0.004%); highest among the groups gnomAD compares: Non-Finnish European, 0.005%; no homozygotes.

Submissions (2):

Labcorp Genetics (formerly Invitae), Labcorp
Classification: Uncertain significance. Last evaluated: 2026-01-09. Review status: criteria provided, single submitter. Criteria: Invitae Variant Classification Sherloc (09022015). Collection method: clinical testing. Allele origin: germline.
Comment: This sequence change replaces serine, which is neutral and polar, with alanine, which is neutral and non-polar, at codon 1250 of the TRPM1 protein (p.Ser1250Ala). This variant is present in population databases (rs375689763, gnomAD 0.009%). This variant has not been reported in the literature in individuals affected with TRPM1-related conditions. ClinVar contains an entry for this variant (Variation ID: 2151172). Invitae Evidence Modeling of protein sequence and biophysical properties (such as structural, functional, and spatial information, amino acid conservation, physicochemical variation, residue mobility, and thermodynamic stability) indicates that this missense variant is not expected to disrupt TRPM1 protein function with a negative predictive value of 95%. In summary, the available evidence is currently insufficient to determine the role of this variant in disease. Therefore, it has been classified as a Variant of Uncertain Significance.

Blueprint Genetics
Classification: Uncertain significance. Last evaluated: 2024-11-20. Review status: criteria provided, single submitter. Criteria: ACMG Guidelines, 2015. Collection method: clinical testing. Allele origin: germline.

NM_001252024.2(TRPM1):c.3814T>G (p.Ser1272Ala)

Gene: TRPM1 (transient receptor potential cation channel subfamily M member 1; minus strand). Cytogenetic location: 15q13.3.
Variant type: single nucleotide variant.
Coding change: c.3814T>G on transcript NM_001252024.2 (MANE Select); coding-DNA position 3814, T replaced by G.
Protein change: p.Ser1272Ala; replaces serine 1272 with alanine.
Molecular consequence: missense variant.
Genome position (GRCh38, 1-based): chr15:31,002,886, A>C on the plus strand (T>G on the coding strand, the complement: TRPM1 is on the minus strand). VCF-style: chr15-31002886-A-C. GRCh37 (hg19) VCF-style: chr15-31295089-A-C.
Other names: c.3865T>G, p.Ser1289Ala (NM_001252020.2); c.3748T>G, p.Ser1250Ala (NM_002420.6); short protein forms S1272A, S1250A, S1289A.
Identifiers: ClinVar variation 2151172 (VCV002151172.3), dbSNP rs375689763, ClinGen allele CA7451751.